The following is an entry in ClinVar:

NM_000337.6(SGCD):c.295-40T>A

Gene: SGCD (sarcoglycan delta; plus strand). Cytogenetic location: 5q33.3.
Variant type: single nucleotide variant.
Coding change: c.295-40T>A on transcript NM_000337.6 (MANE Select); 40 bases into the intron before coding-DNA position 295, T replaced by A.
Molecular consequence: intron variant.
Genome position (GRCh38, 1-based): chr5:156,589,191, T>A. VCF-style: chr5-156589191-T-A. GRCh37 (hg19) VCF-style: chr5-156016201-T-A.
Other names: c.292-40T>A (NM_001128209.2); c.295-40T>A (NM_172244.3).
Identifiers: ClinVar variation 496846 (VCV000496846.6), dbSNP rs74571343, ClinGen allele CA3530559.
Genomic context (GRCh38, chr5:156,589,191, plus strand): 5'-TTGGCTAAAGCCATTTCAGCCCCTTGGAGAGTTGTAATGACAGTTCTTTTTGTTTAGAAA[T>A]CTATCATTTTCATGTCTTTCTCTTATTTTCTTATTGCAGGGTAATGCCCTGTACTTCAAG-3'

ClinVar aggregate classification (germline): Benign. Review status: criteria provided, multiple submitters, no conflicts (2 of 4 stars). 4 submissions from 3 submitters: Benign (4). Last evaluated 2023-02-08.

Conditions:
Autosomal recessive limb-girdle muscular dystrophy type 2F (LGMDR6). Also called: MUSCULAR DYSTROPHY, LIMB-GIRDLE, AUTOSOMAL RECESSIVE 6; Muscular dystrophy limb-girdle with delta-sarcoglyan deficiency. Identifiers: Orphanet 219, MedGen C1832525, MONDO:0011028, OMIM 601287. Disease mechanism: Affects gamma-sarcoglycan and also disrupts the integrity of the entire sarcoglycan complex..
Dilated cardiomyopathy 1L (CMD1L). Identifiers: Orphanet 154, MedGen C1847667, MONDO:0011702, OMIM 606685.

Allele frequency attached by ClinVar (database versions not stated): gnomAD exomes 0.00853 and 0.01957; ESP Exome Variant Server 0.01060; ExAC 0.01359; gnomAD 0.01950 and 0.02045; TOPMed 0.02393; 1000 Genomes Project 30x 0.04934; 1000 Genomes Project 0.05092.
gnomAD v4.1: 14,084 of 1,386,146 alleles (1%); highest among the groups gnomAD compares: East Asian, 16%; 665 homozygotes.

Submissions (4):

Genome-Nilou Lab
Classification: Benign for Autosomal recessive limb-girdle muscular dystrophy type 2F. Last evaluated: 2023-02-08. Review status: criteria provided, single submitter. Criteria: ACMG Guidelines, 2015. Collection method: clinical testing. Allele origin: germline.

Genome-Nilou Lab
Classification: Benign for Dilated cardiomyopathy 1L. Last evaluated: 2023-02-08. Review status: criteria provided, single submitter. Criteria: ACMG Guidelines, 2015. Collection method: clinical testing. Allele origin: germline.

GeneDx
Classification: Benign. Last evaluated: 2018-06-14. Review status: criteria provided, single submitter. Criteria: GeneDx Variant Classification (06012015). Collection method: clinical testing. Allele origin: germline. Affected: yes.
Comment: This variant is considered likely benign or benign based on one or more of the following criteria: it is a conservative change, it occurs at a poorly conserved position in the protein, it is predicted to be benign by multiple in silico algorithms, and/or has population frequency not consistent with disease.

Eurofins Ntd Llc (ga)
Classification: Benign. Last evaluated: 2017-02-09. Review status: criteria provided, single submitter. Criteria: EGL Classification Definitions 2015. Collection method: clinical testing. Allele origin: germline. Observed: 1 variant allele, 1 heterozygote.